The following is an entry in ClinVar:

ClinVar aggregate classification (germline): Benign (1 of 4 stars; one submission).

Conditions:
Lynch syndrome 5 (LYNCH5). Also called: Colorectal cancer, hereditary nonpolyposis, type 5; Hereditary non-polyposis colorectal cancer, type 5. Identifiers: Orphanet 144, MedGen C1833477, MONDO:0013710, OMIM 614350. Disease mechanism: loss of function.

Submission:

Myriad Genetics, Inc.
Classification: Benign for Lynch syndrome 5. Last evaluated: 2024-12-31. Review status: criteria provided, single submitter. Criteria: Myriad Autosomal Dominant, Autosomal Recessive and X-Linked Classification Criteria (2023). Collection method: clinical testing. Allele origin: unknown.
Comment: This variant is considered benign. This variant is a silent/synonymous amino acid change and it is not expected to impact splicing.

NM_000179.3(MSH6):c.2613T>A (p.Ile871=)

Gene: MSH6 (mutS homolog 6; plus strand). Cytogenetic location: 2p16.3.
Variant type: single nucleotide variant.
Coding change: c.2613T>A on transcript NM_000179.3 (MANE Select); coding-DNA position 2613, T replaced by A.
Protein change: p.Ile871=; no amino-acid change (isoleucine 871 retained).
Molecular consequence: synonymous variant. On other transcripts: non-coding transcript variant (5), intron variant (3).
Genome position (GRCh38, 1-based): chr2:47,800,596, T>A. VCF-style: chr2-47800596-T-A. GRCh37 (hg19) VCF-style: chr2-48027735-T-A.
Other names: c.2223T>A, p.Ile741= (NM_001281492.2); c.1707T>A, p.Ile569= (NM_001281493.2, NM_001281494.2, NM_001406811.1 and 6 more transcripts); c.2709T>A, p.Ile903= (NM_001406795.1, NM_001406802.1); c.2613T>A, p.Ile871= (NM_001406796.1, NM_001406798.1, NM_001406800.1 and 2 more transcripts); c.2316T>A, p.Ile772= (NM_001406797.1, NM_001406801.1, NM_001406805.1 and 10 more transcripts); c.2088T>A, p.Ile696= (NM_001406799.1, NM_001406806.1, NM_001406807.1); c.2535T>A, p.Ile845= (NM_001406804.1); c.2619T>A, p.Ile873= (NM_001406813.1); and 4 more.
Identifiers: ClinVar variation 3904248 (VCV003904248.1).